The following is an entry in ClinVar:

ClinVar aggregate classification (germline): Uncertain significance. Review status: criteria provided, multiple submitters, no conflicts (2 of 4 stars). 2 submissions from 2 submitters: Uncertain significance (2). Last evaluated 2025-08-15.

Submissions (2):

Mayo Clinic Laboratories, Mayo Clinic
Classification: Uncertain significance. Last evaluated: 2025-08-15. Review status: criteria provided, single submitter. Criteria: ACMG Guidelines, 2015. Collection method: clinical testing. Allele origin: germline. Observed: 1 variant allele.
Comment: PM2_supporting

GeneDx
Classification: Uncertain significance. Last evaluated: 2022-05-10. Review status: criteria provided, single submitter. Criteria: GeneDx Variant Classification Process June 2021. Collection method: clinical testing. Allele origin: germline. Affected: yes.
Comment: Not observed at significant frequency in large population cohorts (gnomAD); In silico analysis supports that this missense variant has a deleterious effect on protein structure/function; Has not been previously published as pathogenic or benign to our knowledge

NM_030777.4(SLC2A10):c.815C>T (p.Ala272Val)

Gene: SLC2A10 (solute carrier family 2 member 10; plus strand). Cytogenetic location: 20q13.12.
Variant type: single nucleotide variant.
Coding change: c.815C>T on transcript NM_030777.4 (MANE Select); coding-DNA position 815, C replaced by T.
Protein change: p.Ala272Val; replaces alanine 272 with valine.
Molecular consequence: missense variant.
Genome position (GRCh38, 1-based): chr20:46,725,851, C>T. VCF-style: chr20-46725851-C-T. GRCh37 (hg19) VCF-style: chr20-45354490-C-T.
Other names: p.Ala272Val; short protein forms A272V.
Identifiers: ClinVar variation 1723488 (VCV001723488.3), dbSNP rs1265441758, ClinGen allele CA409268103.